The following is an entry in ClinVar:

ClinVar aggregate classification (germline): Uncertain significance. Review status: criteria provided, multiple submitters, no conflicts (2 of 4 stars). 2 submissions from 2 submitters: Uncertain significance (2). Last evaluated 2024-06-08.

Submissions (2):

Ambry Genetics
Classification: Uncertain significance. Last evaluated: 2024-06-08. Review status: criteria provided, single submitter. Criteria: Ambry Variant Classification Scheme 2023. Collection method: clinical testing. Allele origin: germline.
Comment: The p.G533S variant (also known as c.1597G>A), located in coding exon 11 of the RINT1 gene, results from a G to A substitution at nucleotide position 1597. The glycine at codon 533 is replaced by serine, an amino acid with similar properties. This amino acid position is conserved. In addition, this alteration is predicted to be tolerated by in silico analysis. Based on the available evidence, the clinical significance of this variant remains unclear.

Labcorp Genetics (formerly Invitae), Labcorp
Classification: Uncertain significance. Last evaluated: 2018-09-27. Review status: criteria provided, single submitter. Criteria: Invitae Variant Classification Sherloc (09022015). Collection method: clinical testing. Allele origin: germline.
Comment: Algorithms developed to predict the effect of missense changes on protein structure and function are either unavailable or do not agree on the potential impact of this missense change (SIFT: "Deleterious"; PolyPhen-2: "Benign"; Align-GVGD: "Class C0"). This variant has not been reported in the literature in individuals with RINT1-related disease. This variant is not present in population databases (ExAC no frequency). This sequence change replaces glycine with serine at codon 533 of the RINT1 protein (p.Gly533Ser). The glycine residue is moderately conserved and there is a small physicochemical difference between glycine and serine. In summary, the available evidence is currently insufficient to determine the role of this variant in disease. Therefore, it has been classified as a Variant of Uncertain Significance.

NM_021930.6(RINT1):c.1597G>A (p.Gly533Ser)

Gene: RINT1 (RAD50 interactor 1; plus strand). Cytogenetic location: 7q22.3.
Variant type: single nucleotide variant.
Coding change: c.1597G>A on transcript NM_021930.6 (MANE Select); coding-DNA position 1597, G replaced by A.
Protein change: p.Gly533Ser; replaces glycine 533 with serine.
Molecular consequence: missense variant.
Genome position (GRCh38, 1-based): chr7:105,555,153, G>A. VCF-style: chr7-105555153-G-A. GRCh37 (hg19) VCF-style: chr7-105195600-G-A.
Other names: c.1363G>A, p.Gly455Ser (NM_001346599.2); c.574G>A, p.Gly192Ser (NM_001346600.2, NM_001346603.2); c.673G>A, p.Gly225Ser (NM_001346601.2); short protein forms G225S, G533S, G455S, G192S.
Identifiers: ClinVar variation 641762 (VCV000641762.9), dbSNP rs1586250638, ClinGen allele CA368811790.